The following is an entry in ClinVar:

ClinVar aggregate classification (germline): Pathogenic/Likely pathogenic. Review status: criteria provided, multiple submitters, no conflicts (2 of 4 stars). 2 submissions from 2 submitters: Pathogenic (1); Likely pathogenic (1). Last evaluated 2025-12-30.

Conditions:
Breast-ovarian cancer, familial, susceptibility to, 3. Also called: RAD51C-Related Breast/Ovarian Cancer. Identifiers: Orphanet 145, MedGen C3150659, MONDO:0013253, OMIM 613399.
Fanconi anemia complementation group O. Also called: RAD51C-Related Fanconi Anemia. Identifiers: Orphanet 84, MedGen C3150653, MONDO:0013248, OMIM 613390.

Submissions (2):

Myriad Genetics, Inc.
Classification: Likely pathogenic for Breast-ovarian cancer, familial, susceptibility to, 3. Last evaluated: 2025-12-30. Review status: criteria provided, single submitter. Criteria: Myriad Autosomal Dominant, Autosomal Recessive and X-Linked Classification Criteria (2023). Collection method: clinical testing. Allele origin: unknown.
Comment: This variant is considered likely pathogenic. This variant occurs within a consensus splice junction and is predicted to result in abnormal mRNA splicing of either an out-of-frame exon or an in-frame exon necessary for protein stability and/or normal function.

Labcorp Genetics (formerly Invitae), Labcorp
Classification: Pathogenic for Fanconi anemia complementation group O. Last evaluated: 2023-06-13. Review status: criteria provided, single submitter. Criteria: Invitae Variant Classification Sherloc (09022015). Collection method: clinical testing. Allele origin: germline.
Comment: This sequence change affects an acceptor splice site in intron 6 of the RAD51C gene. RNA analysis indicates that disruption of this splice site induces altered splicing and may result in an absent or disrupted protein product. For these reasons, this variant has been classified as Pathogenic. Studies have shown that disruption of this splice site alters mRNA splicing and is expected to lead to the loss of protein expression (PMID: 22725699). ClinVar contains an entry for this variant (Variation ID: 1075016). This variant has not been reported in the literature in individuals affected with RAD51C-related conditions. This variant is not present in population databases (gnomAD no frequency).

Literature cited by the submitters: PubMed 22725699 (cited by Labcorp Genetics (formerly Invitae), Labcorp).

NM_058216.3(RAD51C):c.905-1G>A

Gene: RAD51C (RAD51 paralog C; plus strand). Cytogenetic location: 17q22.
Variant type: single nucleotide variant.
Coding change: c.905-1G>A on transcript NM_058216.3 (MANE Select); the canonical splice acceptor site of the intron before coding-DNA position 905, G replaced by A.
Molecular consequence: splice acceptor variant.
Genome position (GRCh38, 1-based): chr17:58,724,039, G>A. VCF-style: chr17-58724039-G-A. GRCh37 (hg19) VCF-style: chr17-56801400-G-A.
Identifiers: ClinVar variation 1075016 (VCV001075016.8), dbSNP rs2143961181, ClinGen allele CA400361269.